The following is an entry in ClinVar:

ClinVar aggregate classification (germline): Likely benign. Review status: criteria provided, single submitter (1 of 4 stars). 2 submissions from 2 submitters: Likely benign (1). 1 of the submissions does not count toward it. Last evaluated 2025-10-21.

Conditions:
KMT2D-related disorder. Also called: KMT2D-Related Disorders.
Kabuki syndrome. Also called: NIIKAWA-KUROKI SYNDROME; Kabuki make-up syndrome. Identifiers: Orphanet 2322, MedGen C0796004, MONDO:0016512.

Allele frequency attached by ClinVar (database versions not stated): gnomAD 0.00001; TOPMed below 0.00001; ExAC 0.00002.
gnomAD v4.1: 21 of 1,613,748 alleles (0.0013%); highest among the groups gnomAD compares: Admixed American, 0.0017%; no homozygotes.

Submissions (2):

Labcorp Genetics (formerly Invitae), Labcorp
Classification: Likely benign for Kabuki syndrome. Last evaluated: 2025-10-21. Review status: criteria provided, single submitter. Criteria: Invitae Variant Classification Sherloc (09022015). Collection method: clinical testing. Allele origin: germline.

PreventionGenetics, part of Exact Sciences
Classification: Likely benign for KMT2D-related condition. Last evaluated: 2021-11-24. Review status: no assertion criteria provided. Collection method: clinical testing. Allele origin: germline. Not counted in ClinVar's aggregate classification.
Comment: This variant is classified as likely benign based on ACMG/AMP sequence variant interpretation guidelines (Richards et al. 2015 PMID: 25741868, with internal and published modifications).

NM_003482.4(KMT2D):c.4311C>T (p.Ser1437=)

Gene: KMT2D (lysine methyltransferase 2D; minus strand). Cytogenetic location: 12q13.12.
Variant type: single nucleotide variant.
Coding change: c.4311C>T on transcript NM_003482.4 (MANE Select); coding-DNA position 4311, C replaced by T.
Protein change: p.Ser1437=; no amino-acid change (serine 1437 retained).
Molecular consequence: synonymous variant.
Genome position (GRCh38, 1-based): chr12:49,046,716, G>A on the plus strand (C>T on the coding strand, the complement: KMT2D is on the minus strand). VCF-style: chr12-49046716-G-A. GRCh37 (hg19) VCF-style: chr12-49440499-G-A.
Identifiers: ClinVar variation 2985550 (VCV002985550.5), dbSNP rs754428432, ClinGen allele CA6547854.